The following is an entry in ClinVar:

NM_003482.4(KMT2D):c.1781C>G (p.Pro594Arg)

Gene: KMT2D (lysine methyltransferase 2D; minus strand). Cytogenetic location: 12q13.12.
Variant type: single nucleotide variant.
Coding change: c.1781C>G on transcript NM_003482.4 (MANE Select); coding-DNA position 1781, C replaced by G.
Protein change: p.Pro594Arg; replaces proline 594 with arginine.
Molecular consequence: missense variant.
Genome position (GRCh38, 1-based): chr12:49,051,902, G>C on the plus strand (C>G on the coding strand, the complement: KMT2D is on the minus strand). VCF-style: chr12-49051902-G-C. GRCh37 (hg19) VCF-style: chr12-49445685-G-C.
Other names: short protein forms P594R.
Identifiers: ClinVar variation 4997710 (VCV004997710.1).

ClinVar aggregate classification (germline): Uncertain significance (1 of 4 stars; one submission).

Conditions:
KMT2D-related disorder. Also called: KMT2D-Related Disorders.

Submission:

PreventionGenetics, part of Exact Sciences
Classification: Uncertain significance for KMT2D-related condition. Last evaluated: 2025-07-09. Review status: criteria provided, single submitter. Criteria: ACMG Guidelines, 2015. Collection method: clinical testing. Allele origin: germline.
Comment: The KMT2D c.1781C>G variant is predicted to result in the amino acid substitution p.Pro594Arg. To our knowledge, this variant has not been reported in the literature or in a large population database (gnomAD), indicating this variant is rare. At this time, the clinical significance of this variant is uncertain due to the absence of conclusive functional and genetic evidence.